The following is an entry in ClinVar:

NM_016008.4(DYNC2LI1):c.372G>A (p.Trp124Ter)

Gene: DYNC2LI1 (dynein cytoplasmic 2 light intermediate chain 1; plus strand). Cytogenetic location: 2p21.
Variant type: single nucleotide variant.
Coding change: c.372G>A on transcript NM_016008.4 (MANE Select); coding-DNA position 372, G replaced by A.
Protein change: p.Trp124Ter; replaces tryptophan 124 with a stop codon.
Molecular consequence: nonsense.
Genome position (GRCh38, 1-based): chr2:43,794,508, G>A. VCF-style: chr2-43794508-G-A. GRCh37 (hg19) VCF-style: chr2-44021647-G-A.
Other names: c.372G>A, p.Trp124Ter (NM_001193464.2, NM_001348912.2, NM_001348913.2 and 1 more transcripts); short protein forms W124*.
Identifiers: ClinVar variation 212766 (VCV000212766.10), dbSNP rs769975073, ClinGen allele CA1635820.

ClinVar aggregate classification (germline): Pathogenic/Likely pathogenic. Review status: criteria provided, multiple submitters, no conflicts (2 of 4 stars). 5 submissions from 5 submitters: Pathogenic (2); Likely pathogenic (1). 2 of the submissions do not count toward it. Last evaluated 2026-07-26.

Conditions:
DYNC2LI1-related disorder. Also called: DYNC2LI1-related condition.
Short-rib thoracic dysplasia 15 with polydactyly (SRTD15). Identifiers: MedGen C4310724, MONDO:0014907, OMIM 617088.
Asphyxiating thoracic dystrophy 1 (SRTD1). Also called: SHORT-RIB THORACIC DYSPLASIA 1 WITH OR WITHOUT POLYDACTYLY. Identifiers: Orphanet 474, MedGen C4551856, MONDO:0008831, OMIM 208500.

Allele frequency attached by ClinVar (database versions not stated): gnomAD exomes 0.00009 and 0.00006; gnomAD 0.00001; TOPMed 0.00001; ExAC 0.00004.
gnomAD v4.1: 131 of 1,613,620 alleles (0.0081%); highest among the groups gnomAD compares: Non-Finnish European, 0.011%; no homozygotes.

Submissions (5):

PreventionGenetics, part of Exact Sciences
Classification: Pathogenic for DYNC2LI1-related condition. Last evaluated: 2026-07-26. Review status: criteria provided, single submitter. Criteria: ACMG Guidelines, 2015. Collection method: clinical testing. Allele origin: germline.
Comment: The DYNC2LI1 c.372G>A variant is predicted to result in premature protein termination (p.Trp124*). This variant was reported in the compound heterozygous state in a fetus with short rib-polydactyly syndrome (Taylor et al. 2015. PubMed ID: 26077881). This variant is reported in 0.012% of alleles in individuals of European (Non-Finnish) descent in gnomAD. Nonsense variants in DYNC2LI1 are expected to be pathogenic. This variant is interpreted as pathogenic.

GeneDx
Classification: Likely pathogenic. Last evaluated: 2025-02-04. Review status: criteria provided, single submitter. Criteria: GeneDx Variant Classification Process June 2021. Collection method: clinical testing. Allele origin: germline. Affected: yes.
Comment: Nonsense variant predicted to result in protein truncation or nonsense mediated decay in a gene for which loss of function is a known mechanism of disease; This variant is associated with the following publications: (PMID: 26077881)

Labcorp Genetics (formerly Invitae), Labcorp
Classification: Pathogenic. Last evaluated: 2024-09-06. Review status: criteria provided, single submitter. Criteria: Invitae Variant Classification Sherloc (09022015). Collection method: clinical testing. Allele origin: germline.
Comment: This sequence change creates a premature translational stop signal (p.Trp124*) in the DYNC2LI1 gene. It is expected to result in an absent or disrupted protein product. Loss-of-function variants in DYNC2LI1 are known to be pathogenic (PMID: 26077881, 26130459). This variant is present in population databases (rs769975073, gnomAD 0.01%). This premature translational stop signal has been observed in individual(s) with short-rib thoracic dysplasia (PMID: 26077881). ClinVar contains an entry for this variant (Variation ID: 212766). For these reasons, this variant has been classified as Pathogenic.

OMIM
Classification: Pathogenic for SHORT-RIB THORACIC DYSPLASIA 15 WITH POLYDACTYLY. Last evaluated: 2015-06-16. Review status: no assertion criteria provided. Collection method: literature only. Allele origin: germline. Not counted in ClinVar's aggregate classification.

David Geffen School of Medicine, University of California, Los Angeles
Classification: Pathogenic for Short-rib thoracic dysplasia. Review status: no assertion criteria provided. Collection method: research. Allele origin: maternal. Affected: yes. Not counted in ClinVar's aggregate classification.

Literature cited by the submitters: PubMed 26077881 (cited by 3 submitters); PubMed 26130459 (cited by Labcorp Genetics (formerly Invitae), Labcorp).